The following is an entry in ClinVar:

NM_001197104.2(KMT2A):c.3746G>A (p.Arg1249Lys)

Gene: KMT2A (lysine methyltransferase 2A; plus strand). Cytogenetic location: 11q23.3.
Variant type: single nucleotide variant.
Coding change: c.3746G>A on transcript NM_001197104.2 (MANE Select); coding-DNA position 3746, G replaced by A.
Protein change: p.Arg1249Lys; replaces arginine 1249 with lysine.
Molecular consequence: missense variant.
Genome position (GRCh38, 1-based): chr11:118,481,826, G>A. VCF-style: chr11-118481826-G-A. GRCh37 (hg19) VCF-style: chr11-118352541-G-A.
Other names: c.3845G>A, p.Arg1282Lys (NM_001412597.1); c.3746G>A, p.Arg1249Lys (NM_005933.4); short protein forms R1249K, R1282K.
Identifiers: ClinVar variation 1959633 (VCV001959633.5), dbSNP rs782711000, ClinGen allele CA6303719.

ClinVar aggregate classification (germline): Uncertain significance (1 of 4 stars; one submission).

Allele frequency attached by ClinVar (database versions not stated): gnomAD exomes below 0.00001; ExAC 0.00001.
gnomAD v4.1: 1 of 1,614,212 alleles (0.000062%); highest among the groups gnomAD compares: Non-Finnish European, 0.000085%; no homozygotes.

Submission:

Labcorp Genetics (formerly Invitae), Labcorp
Classification: Uncertain significance. Last evaluated: 2024-02-24. Review status: criteria provided, single submitter. Criteria: Invitae Variant Classification Sherloc (09022015). Collection method: clinical testing. Allele origin: germline.
Comment: This sequence change replaces arginine, which is basic and polar, with lysine, which is basic and polar, at codon 1249 of the KMT2A protein (p.Arg1249Lys). This variant is present in population databases (rs782711000, gnomAD 0.0009%). This variant has not been reported in the literature in individuals affected with KMT2A-related conditions. ClinVar contains an entry for this variant (Variation ID: 1959633). Advanced modeling of protein sequence and biophysical properties (such as structural, functional, and spatial information, amino acid conservation, physicochemical variation, residue mobility, and thermodynamic stability) performed at Invitae indicates that this missense variant is not expected to disrupt KMT2A protein function with a negative predictive value of 95%. In summary, the available evidence is currently insufficient to determine the role of this variant in disease. Therefore, it has been classified as a Variant of Uncertain Significance.